The following is an entry in ClinVar:

ClinVar aggregate classification (germline): Uncertain significance. Review status: criteria provided, multiple submitters, no conflicts (2 of 4 stars). 2 submissions from 2 submitters: Uncertain significance (2). Last evaluated 2024-02-02.

Conditions:
Familial melanoma. Also called: Hereditary melanoma; Hereditary cutaneous melanoma. Identifiers: Orphanet 618, MedGen C1512419, MONDO:0018961.
Hereditary cancer-predisposing syndrome. Also called: Neoplastic Syndromes, Hereditary; Tumor predisposition; Hereditary neoplastic syndrome; Hereditary Cancer Syndrome. Identifiers: Orphanet 140162, MedGen C0027672, MeSH D009386, MONDO:0015356.

Allele frequency attached by ClinVar (database versions not stated): gnomAD exomes below 0.00001.
gnomAD v4.1: 1 of 1,613,992 alleles (0.000062%); highest among the groups gnomAD compares: East Asian, 0.0022%; no homozygotes.

Submissions (2):

Labcorp Genetics (formerly Invitae), Labcorp
Classification: Uncertain significance for Familial melanoma. Last evaluated: 2024-02-02. Review status: criteria provided, single submitter. Criteria: Invitae Variant Classification Sherloc (09022015). Collection method: clinical testing. Allele origin: germline.
Comment: This sequence change replaces proline, which is neutral and non-polar, with threonine, which is neutral and polar, at codon 262 of the CDK4 protein (p.Pro262Thr). This variant is present in population databases (no rsID available, gnomAD 0.006%). This variant has not been reported in the literature in individuals affected with CDK4-related conditions. An algorithm developed to predict the effect of missense changes on protein structure and function (PolyPhen-2) suggests that this variant is likely to be tolerated. In summary, the available evidence is currently insufficient to determine the role of this variant in disease. Therefore, it has been classified as a Variant of Uncertain Significance.

Ambry Genetics
Classification: Uncertain significance for Hereditary cancer-predisposing syndrome. Last evaluated: 2023-12-11. Review status: criteria provided, single submitter. Criteria: Ambry Variant Classification Scheme 2023. Collection method: clinical testing. Allele origin: germline.
Comment: The p.P262T variant (also known as c.784C>A), located in coding exon 6 of the CDK4 gene, results from a C to A substitution at nucleotide position 784. The proline at codon 262 is replaced by threonine, an amino acid with highly similar properties. This amino acid position is conserved. In addition, this alteration is predicted to be tolerated by in silico analysis. Since supporting evidence is limited at this time, the clinical significance of this alteration remains unclear.

NM_000075.4(CDK4):c.784C>A (p.Pro262Thr)

Genes: CDK4 (cyclin dependent kinase 4; minus strand), TSPAN31 (tetraspanin 31; plus strand). Cytogenetic location: 12q14.1.
Variant type: single nucleotide variant.
Coding change: c.784C>A on transcript NM_000075.4 (MANE Select); coding-DNA position 784, C replaced by A.
Protein change: p.Pro262Thr; replaces proline 262 with threonine.
Molecular consequence: missense variant. On other transcripts: 3 prime UTR variant (3).
Genome position (GRCh38, 1-based): chr12:57,749,217, G>T on the plus strand (C>A on the coding strand, the complement: CDK4 is on the minus strand). VCF-style: chr12-57749217-G-T. GRCh37 (hg19) VCF-style: chr12-58143000-G-T.
Other names: c.*1927G>T (NM_001330168.2, NM_001330169.2, NM_005981.5); short protein forms P262T.
Identifiers: ClinVar variation 3230246 (VCV003230246.3), dbSNP rs1358878722, ClinGen allele CA385543141.